The following is an entry in ClinVar:

NM_001006658.3(CR2):c.2803A>G (p.Ile935Val)

Gene: CR2 (complement C3d receptor 2; plus strand). Cytogenetic location: 1q32.2.
Variant type: single nucleotide variant.
Coding change: c.2803A>G on transcript NM_001006658.3 (MANE Select); coding-DNA position 2803, A replaced by G.
Protein change: p.Ile935Val; replaces isoleucine 935 with valine.
Molecular consequence: missense variant.
Genome position (GRCh38, 1-based): chr1:207,476,320, A>G. VCF-style: chr1-207476320-A-G. GRCh37 (hg19) VCF-style: chr1-207649665-A-G.
Other names: c.2626A>G, p.Ile876Val (NM_001877.5); short protein forms I876V, I935V.
Identifiers: ClinVar variation 1051376 (VCV001051376.9), dbSNP rs2102308649, ClinGen allele CA344540015.
Genomic context (GRCh38, chr1:207,476,320, plus strand): 5'-AAGACCCCTAACGGGAACCATACTGGTGGAAACATAGCTCGATTTTCTCCTGGAATGTCA[A>G]TCCTGTACAGCTGTGACCAAGGCTACCTGCTGGTGGGAGAGGCACTCCTTCTTTGCACAC-3'
Protein context (NP_001006659.1, residues 925-945): NIARFSPGMS[Ile935Val]LYSCDQGYLL

ClinVar aggregate classification (germline): Uncertain significance (1 of 4 stars; one submission).

Conditions:
Immunodeficiency, common variable, 7. Identifiers: Orphanet 1572, Orphanet 696894, MedGen C3542922, MONDO:0013862, OMIM 614699.

Allele frequency attached by ClinVar (database versions not stated): gnomAD exomes below 0.00001.
gnomAD v4.1: 1 of 1,613,982 alleles (0.000062%); highest among the groups gnomAD compares: Non-Finnish European, 0.000085%; no homozygotes.

Submission:

Labcorp Genetics (formerly Invitae), Labcorp
Classification: Uncertain significance for Immunodeficiency, common variable, 7. Last evaluated: 2020-07-13. Review status: criteria provided, single submitter. Criteria: Invitae Variant Classification Sherloc (09022015). Collection method: clinical testing. Allele origin: germline.
Comment: Algorithms developed to predict the effect of sequence changes on RNA splicing suggest that this variant may create or strengthen a splice site, but this prediction has not been confirmed by published transcriptional studies. In summary, the available evidence is currently insufficient to determine the role of this variant in disease. Therefore, it has been classified as a Variant of Uncertain Significance. Algorithms developed to predict the effect of missense changes on protein structure and function output the following: SIFT: "Tolerated"; PolyPhen-2: "Benign"; Align-GVGD: "Class C0". The valine amino acid residue is found in multiple mammalian species, suggesting that this missense change does not adversely affect protein function. These predictions have not been confirmed by published functional studies and their clinical significance is uncertain. This sequence change replaces isoleucine with valine at codon 935 of the CR2 protein (p.Ile935Val). The isoleucine residue is moderately conserved and there is a small physicochemical difference between isoleucine and valine. This variant is not present in population databases (ExAC no frequency). This variant has not been reported in the literature in individuals with CR2-related conditions.